The following is an entry in ClinVar:

ClinVar aggregate classification (germline): Uncertain significance. Review status: criteria provided, multiple submitters, no conflicts (2 of 4 stars). 2 submissions from 2 submitters: Uncertain significance (2). Last evaluated 2025-03-10.

Submissions (2):

Mayo Clinic Laboratories, Mayo Clinic
Classification: Uncertain significance. Last evaluated: 2025-03-10. Review status: criteria provided, single submitter. Criteria: ACMG Guidelines, 2015. Collection method: clinical testing. Allele origin: germline. Observed: 1 variant allele.
Comment: BP4, PM2_supporting

Ambry Genetics
Classification: Uncertain significance. Last evaluated: 2025-02-02. Review status: criteria provided, single submitter. Criteria: Ambry Variant Classification Scheme 2023. Collection method: clinical testing. Allele origin: germline.
Comment: The p.D399N variant (also known as c.1195G>A), located in coding exon 6 of the GFI1 gene, results from a G to A substitution at nucleotide position 1195. The aspartic acid at codon 399 is replaced by asparagine, an amino acid with highly similar properties. This amino acid position is conserved. In addition, this alteration is predicted to be tolerated by in silico analysis. Based on the available evidence, the clinical significance of this variant remains unclear.

NM_005263.5(GFI1):c.1195G>A (p.Asp399Asn)

Genes: GFI1 (growth factor independent 1 transcriptional repressor; minus strand), LOC129930930 (ATAC-STARR-seq lymphoblastoid active region 1314; plus strand). Cytogenetic location: 1p22.1.
Variant type: single nucleotide variant.
Coding change: c.1195G>A on transcript NM_005263.5 (MANE Select); coding-DNA position 1195, G replaced by A.
Protein change: p.Asp399Asn; replaces aspartic acid 399 with asparagine.
Molecular consequence: missense variant.
Genome position (GRCh38, 1-based): chr1:92,476,103, C>T on the plus strand (G>A on the coding strand, the complement: GFI1 is on the minus strand). VCF-style: chr1-92476103-C-T. GRCh37 (hg19) VCF-style: chr1-92941660-C-T.
Other names: p.Asp399Asn; c.1195G>A, p.Asp399Asn (NM_001127216.3, NM_001127215.3); short protein forms D399N.
Identifiers: ClinVar variation 3853705 (VCV003853705.2).